The following is an entry in ClinVar:

NM_001367624.2(ZNF469):c.4838A>G (p.Gln1613Arg)

Gene: ZNF469 (zinc finger protein 469; plus strand). Cytogenetic location: 16q24.2.
Variant type: single nucleotide variant.
Coding change: c.4838A>G on transcript NM_001367624.2 (MANE Select); coding-DNA position 4838, A replaced by G.
Protein change: p.Gln1613Arg; replaces glutamine 1613 with arginine.
Molecular consequence: missense variant.
Genome position (GRCh38, 1-based): chr16:88,432,308, A>G. VCF-style: chr16-88432308-A-G. GRCh37 (hg19) VCF-style: chr16-88498716-A-G.
Other names: short protein forms Q1613R.
Identifiers: ClinVar variation 3675146 (VCV003675146.2).

ClinVar aggregate classification (germline): Uncertain significance (1 of 4 stars; one submission).

Submission:

Labcorp Genetics (formerly Invitae), Labcorp
Classification: Uncertain significance. Last evaluated: 2024-08-07. Review status: criteria provided, single submitter. Criteria: Invitae Variant Classification Sherloc (09022015). Collection method: clinical testing. Allele origin: germline.
Comment: This sequence change replaces glutamine, which is neutral and polar, with arginine, which is basic and polar, at codon 1585 of the ZNF469 protein (p.Gln1585Arg). This variant is not present in population databases (gnomAD no frequency). This variant has not been reported in the literature in individuals affected with ZNF469-related conditions. An algorithm developed to predict the effect of missense changes on protein structure and function outputs the following: PolyPhen-2: "Possibly Damaging". The arginine amino acid residue is found in multiple mammalian species, which suggests that this missense change does not adversely affect protein function. In summary, the available evidence is currently insufficient to determine the role of this variant in disease. Therefore, it has been classified as a Variant of Uncertain Significance.